The following is an entry in ClinVar:

ClinVar aggregate classification (germline): Pathogenic (3 of 4 stars; one submission).

Conditions:
Phenylketonuria (PKU). Also called: OLIGOPHRENIA PHENYLPYRUVICA; Phenylketonuria (PKU); Phenylketonurias; FOLLING DISEASE. Identifiers: Orphanet 716, MedGen C0031485, MONDO:0009861, OMIM 261600. Disease mechanism: loss of function.

Submission:

ClinGen PAH Variant Curation Expert Panel
Classification: Pathogenic for Phenylketonuria. Last evaluated: 2020-10-15. Review status: reviewed by expert panel. Criteria: ClinGen PAH ACMG Specifications v1. Collection method: curation. Allele origin: germline. Inheritance: Autosomal recessive inheritance.
Comment: This c.690_691insG (p.Ser231ValfsTer?) variant in PAH was reported in one patient with Hyperphenylalaninemia (PMID: 28982351). This variant is absent from controls in population databases. This is a frameshift variant in exon 6 out of 13 coding exons. The variant is predicted to undergo nonsense mediated mRNA decay (NMD), as it is not located in the 3â€™-most exon or the 3â€™-most 50 bp of the penultimate exon. In summary, this variant meets criteria to be classified as pathogenic for PAH. PAH-specific ACMG/AMP criteria applied: PVS1, PM2, and PP4.

Literature cited by the submitters: PubMed 28982351.

NM_000277.3(PAH):c.690_691insG (p.Ser231fs)

Gene: PAH (phenylalanine hydroxylase; minus strand). Cytogenetic location: 12q23.2.
Variant type: Insertion.
Coding change: c.690_691insG on transcript NM_000277.3 (MANE Select); coding-DNA positions 690 to 691, G inserted.
Protein change: p.Ser231fs; shifts the reading frame from serine 231.
Molecular consequence: frameshift variant.
Genome position: GRCh38 VCF-style: chr12-102855151-A-AC. GRCh37 (hg19) VCF-style: chr12-103248929-A-AC.
Other names: c.690_691insG, p.Ser231fs (NM_001354304.2); short protein forms S231fs.
Identifiers: ClinVar variation 987779 (VCV000987779.2), dbSNP rs1875354018, ClinGen allele CA16020841.